The following is an entry in ClinVar:

ClinVar aggregate classification (germline): Uncertain significance. Review status: criteria provided, single submitter (1 of 4 stars). 2 submissions from 2 submitters: Uncertain significance (1). 1 of the submissions does not count toward it. Last evaluated 2024-07-24.

Conditions:
JUP-related disorder. Also called: JUP-related condition.

gnomAD v4.1: 6 of 1,613,360 alleles (0.00037%); highest among the groups gnomAD compares: Admixed American, 0.0083%; no homozygotes.

Submissions (2):

GeneDx
Classification: Uncertain significance. Last evaluated: 2024-07-24. Review status: criteria provided, single submitter. Criteria: GeneDx Variant Classification Process June 2021. Collection method: clinical testing. Allele origin: germline. Affected: yes.
Comment: In silico analysis indicates that this missense variant does not alter protein structure/function; Has not been previously published as pathogenic or benign to our knowledge

PreventionGenetics, part of Exact Sciences
Classification: Uncertain significance for JUP-related condition. Last evaluated: 2024-02-01. Review status: no assertion criteria provided. Collection method: clinical testing. Allele origin: germline. Not counted in ClinVar's aggregate classification.
Comment: The JUP c.595C>G variant is predicted to result in the amino acid substitution p.Leu199Val. To our knowledge, this variant has not been reported in the literature. This variant is reported in 0.017% of alleles in individuals of Latino descent in gnomAD. At this time, the clinical significance of this variant is uncertain due to the absence of conclusive functional and genetic evidence.

NM_002230.4(JUP):c.595C>G (p.Leu199Val)

Gene: JUP (junction plakoglobin; minus strand). Cytogenetic location: 17q21.2.
Variant type: single nucleotide variant.
Coding change: c.595C>G on transcript NM_002230.4 (MANE Select); coding-DNA position 595, C replaced by G.
Protein change: p.Leu199Val; replaces leucine 199 with valine.
Molecular consequence: missense variant.
Genome position (GRCh38, 1-based): chr17:41,769,081, G>C on the plus strand (C>G on the coding strand, the complement: JUP is on the minus strand). VCF-style: chr17-41769081-G-C. GRCh37 (hg19) VCF-style: chr17-39925333-G-C.
Other names: c.595C>G, p.Leu199Val (NM_001352773.2, NM_001352774.2, NM_001352775.2 and 3 more transcripts); short protein forms L199V.
Identifiers: ClinVar variation 3354826 (VCV003354826.2).
Genomic context (GRCh38, chr17:41,769,081, plus strand): 5'-GCCCCTCCCGGTGGTGGGAGAGGTTGTGCAGGATGCTGGTGGTGCAGCGGGCTGTGTCCA[G>C]GTCGCTGGTATTCTGCATGGTACGCACGACAGCGGCCACCAGCTGGGGCGAGCCCATCAG-3'
Protein context (NP_002221.1, residues 189-209): VVRTMQNTSD[Leu199Val]DTARCTTSIL